The following is an entry in ClinVar:

ClinVar aggregate classification (germline): Uncertain significance (1 of 4 stars; one submission).

Conditions:
Charcot-Marie-Tooth disease type 2. Also called: Charcot-Marie-Tooth type 2. Identifiers: Orphanet 64746, MedGen C0270914, MONDO:0018993.

Allele frequency attached by ClinVar (database versions not stated): gnomAD exomes below 0.00001.

Submission:

Labcorp Genetics (formerly Invitae), Labcorp
Classification: Uncertain significance for Charcot-Marie-Tooth disease type 2. Last evaluated: 2015-06-29. Review status: criteria provided, single submitter. Criteria: Invitae Variant Classification Sherloc (09022015). Collection method: clinical testing. Allele origin: germline.
Comment: This sequence change replaces methionine with valine at codon 57 of the BSCL2 protein (p.Met57Val). The methionine residue is highly conserved and there is a small physicochemical difference between methionine and valine. This variant has not been published in the literature and is not present in population databases. Algorithms developed to predict the effect of missense changes on protein structure and function do not agree on the potential impact of this missense change (SIFT: "deleterious"; PolyPhen-2: "Probably Damaging"; Align-GVGD: "Class C15"). In summary, this is a novel missense change with uncertain impact on protein function. It has been classified as a Variant of Uncertain Significance.

NM_001122955.4(BSCL2):c.361A>G (p.Met121Val)

Genes: BSCL2 (BSCL2 lipid droplet biogenesis associated, seipin; minus strand), HNRNPUL2-BSCL2 (HNRNPUL2-BSCL2 readthrough (NMD candidate); minus strand). Cytogenetic location: 11q12.3.
Variant type: single nucleotide variant.
Coding change: c.361A>G on transcript NM_001122955.4 (MANE Select); coding-DNA position 361, A replaced by G.
Protein change: p.Met121Val; replaces methionine 121 with valine.
Molecular consequence: missense variant. On other transcripts: non-coding transcript variant (1).
Genome position (GRCh38, 1-based): chr11:62,705,344, T>C on the plus strand (A>G on the coding strand, the complement: BSCL2 is on the minus strand). VCF-style: chr11-62705344-T-C. GRCh37 (hg19) VCF-style: chr11-62472816-T-C.
Other names: c.169A>G, p.Met57Val (NM_001130702.2, NM_032667.6); c.361A>G, p.Met121Val (NM_001386027.1, NM_001386028.1); short protein forms M121V, M57V.
Identifiers: ClinVar variation 1054215 (VCV001054215.7), dbSNP rs2134740508, ClinGen allele CA380970387.
Genomic context (GRCh38, chr11:62,705,344, plus strand): 5'-TAGAAGGCCCCTCTCACCTGTAGTAGAAATGCACAGGGCTGAGGTGGCTGACTGTCGGCA[T>C]ATAGGAATAGTAGAAGGAGCCATAGAGGAAGACAGACACCCAGAGCAAAAGGAGGATGGT-3'
Protein context (NP_001116427.1, residues 111-131): FLYGSFYYSY[Met121Val]PTVSHLSPVH